The following is an entry in ClinVar:

NM_000255.4(MMUT):c.1083+2T>A

Gene: MMUT (methylmalonyl-CoA mutase; minus strand). Cytogenetic location: 6p12.3.
Variant type: single nucleotide variant.
Coding change: c.1083+2T>A on transcript NM_000255.4 (MANE Select); the canonical splice donor site of the intron after coding-DNA position 1083, T replaced by A.
Molecular consequence: splice donor variant.
Genome position (GRCh38, 1-based): chr6:49,453,583, A>T on the plus strand (T>A on the coding strand, the complement: MMUT is on the minus strand). VCF-style: chr6-49453583-A-T. GRCh37 (hg19) VCF-style: chr6-49421296-A-T.
Identifiers: ClinVar variation 495775 (VCV000495775.5), dbSNP rs746085723, ClinGen allele CA3846974.

ClinVar aggregate classification (germline): Pathogenic. Review status: criteria provided, multiple submitters, no conflicts (2 of 4 stars). 3 submissions from 3 submitters: Pathogenic (3). Last evaluated 2024-08-06.

Conditions:
Methylmalonic acidemia (MMA). Also called: Isolated Methylmalonic Acidemia. Identifiers: MedGen C0268583, MeSH C537358, MONDO:0002012, HP:0002912.
Methylmalonic aciduria due to complete methylmalonyl-CoA mutase deficiency.

Allele frequency attached by ClinVar (database versions not stated): gnomAD exomes below 0.00001 and 0.00001; ExAC 0.00001; gnomAD 0.00001; TOPMed 0.00003.

Submissions (3):

Natera, Inc.
Classification: Pathogenic for Methylmalonic aciduria due to complete methylmalonyl-CoA mutase deficiency. Last evaluated: 2024-08-06. Review status: criteria provided, single submitter. Criteria: Natera Variant Classification Schema (03/2026). Collection method: clinical testing. Allele origin: germline.
Comment: The c.1083+2T>A variant in MMUT is a canonical splice donor site variant predicted to affect pre-mRNA splicing, which may result in an abnormal transcript and altered protein product. This variant is expected to result in nonsense mediated decay, truncation, or a dysfunctional protein product. This variant is rare in the general population with a frequency below the threshold expected for the associated phenotype(s). This variant has been observed in one or more individuals affected with the associated recessive disease, as either homozygous or compound heterozygous with a second variant (PMID: 16281286). Given the available evidence, this variant is classified as Pathogenic.

Labcorp Genetics (formerly Invitae), Labcorp
Classification: Pathogenic. Last evaluated: 2023-10-15. Review status: criteria provided, single submitter. Criteria: Invitae Variant Classification Sherloc (09022015). Collection method: clinical testing. Allele origin: germline.
Comment: This sequence change affects a donor splice site in intron 5 of the MUT gene. It is expected to disrupt RNA splicing. Variants that disrupt the donor or acceptor splice site typically lead to a loss of protein function (PMID: 16199547), and loss-of-function variants in MUT are known to be pathogenic (PMID: 15781192). This variant is present in population databases (rs746085723, gnomAD 0.01%). Disruption of this splice site has been observed in individual(s) with methylmalonic acidemia (PMID: 16281286). ClinVar contains an entry for this variant (Variation ID: 495775). Algorithms developed to predict the effect of sequence changes on RNA splicing suggest that this variant may disrupt the consensus splice site. For these reasons, this variant has been classified as Pathogenic.

Women's Health and Genetics/Laboratory Corporation of America, LabCorp
Classification: Pathogenic for Methylmalonic acidemia. Last evaluated: 2016-10-24. Review status: criteria provided, single submitter. Criteria: LabCorp Variant Classification Summary - May 2015. Collection method: clinical testing. Allele origin: germline.
Comment: Variant summary: The MUT c.1083+2T>A variant involves the alteration of the GT donor splice site of intron 5, which 5/5 splice prediction tools predict abrogation of the donor site. This variant was found in 1/119390 control chromosomes at a frequency of 0.0000084, which does not exceed the estimated maximal expected allele frequency of a pathogenic MUT variant (0.0024152). This variant has been reported in one patient with Methylmalonic Acidemia who was compound heterozygous with another variant c.1328dupT. Taken together, this variant is classified as Pathogenic.

Literature cited by the submitters: PubMed 16281286 (cited by Natera, Inc. and Labcorp Genetics (formerly Invitae), Labcorp); PubMed 16199547 (cited by Labcorp Genetics (formerly Invitae), Labcorp); PubMed 15781192 (cited by Labcorp Genetics (formerly Invitae), Labcorp); PubMed 25525159 (cited by Women's Health and Genetics/Laboratory Corporation of America, LabCorp).